The following is an entry in ClinVar:

ClinVar aggregate classification (germline): Uncertain significance (1 of 4 stars; one submission).

Conditions:
Joubert syndrome. Also called: Familial aplasia of the vermis; CEREBELLOPARENCHYMAL DISORDER IV; JOUBERT-BOLTSHAUSER SYNDROME. Identifiers: Orphanet 475, MedGen C5979921, MONDO:0018772.

Allele frequency attached by ClinVar (database versions not stated): gnomAD exomes below 0.00001.

Submission:

Labcorp Genetics (formerly Invitae), Labcorp
Classification: Uncertain significance for Joubert syndrome. Last evaluated: 2022-08-18. Review status: criteria provided, single submitter. Criteria: Invitae Variant Classification Sherloc (09022015). Collection method: clinical testing. Allele origin: germline.
Comment: This sequence change replaces arginine, which is basic and polar, with tryptophan, which is neutral and slightly polar, at codon 106 of the INPP5E protein (p.Arg106Trp). This variant is not present in population databases (gnomAD no frequency). This variant has not been reported in the literature in individuals affected with INPP5E-related conditions. ClinVar contains an entry for this variant (Variation ID: 1026647). Advanced modeling of protein sequence and biophysical properties (such as structural, functional, and spatial information, amino acid conservation, physicochemical variation, residue mobility, and thermodynamic stability) performed at Invitae indicates that this missense variant is not expected to disrupt INPP5E protein function. In summary, the available evidence is currently insufficient to determine the role of this variant in disease. Therefore, it has been classified as a Variant of Uncertain Significance.

NM_019892.6(INPP5E):c.316C>T (p.Arg106Trp)

Gene: INPP5E (inositol polyphosphate-5-phosphatase E; minus strand). Cytogenetic location: 9q34.3.
Variant type: single nucleotide variant.
Coding change: c.316C>T on transcript NM_019892.6 (MANE Select); coding-DNA position 316, C replaced by T.
Protein change: p.Arg106Trp; replaces arginine 106 with tryptophan.
Molecular consequence: missense variant.
Genome position (GRCh38, 1-based): chr9:136,439,104, G>A on the plus strand (C>T on the coding strand, the complement: INPP5E is on the minus strand). VCF-style: chr9-136439104-G-A. GRCh37 (hg19) VCF-style: chr9-139333556-G-A.
Other names: c.316C>T, p.Arg106Trp (NM_001318502.2); short protein forms R106W.
Identifiers: ClinVar variation 1026647 (VCV001026647.6), dbSNP rs755788855, ClinGen allele CA375569815.